The following is an entry in ClinVar:

ClinVar aggregate classification (germline): Pathogenic/Likely pathogenic. Review status: criteria provided, multiple submitters, no conflicts (2 of 4 stars). 2 submissions from 2 submitters: Pathogenic (1); Likely pathogenic (1). Last evaluated 2026-08-11.

Conditions:
Congenital myasthenic syndrome (CMS). Also called: Congenital Myasthenic Syndromes. Identifiers: Orphanet 590, MedGen C0751882, MeSH D020294, MONDO:0018940.
Congenital myasthenic syndrome 4A. Also called: Myasthenic syndrome, congenital, 4a, slow-channel; CONGENITAL MYASTHENIC SYNDROME TYPE Ia1; MYASTHENIC SYNDROME, CONGENITAL, 4A, SLOW-CHANNEL, AUTOSOMAL RECESSIVE. Identifiers: Orphanet 590, MedGen C4225413, MONDO:0011600, OMIM 605809.

Submissions (2):

Myriad Genetics, Inc.
Classification: Pathogenic for Congenital myasthenic syndrome. Last evaluated: 2026-08-11. Review status: criteria provided, single submitter. Criteria: Myriad Autosomal Dominant, Autosomal Recessive and X-Linked Classification Criteria (2023). Collection method: clinical testing. Allele origin: unknown.
Comment: NM_000080.3(CHRNE):c.786C>A(Y262*) is expected to be pathogenic in the context of congenital myasthenic syndrome, CHRNE-related. This variant is predicted to lead to an abnormal or absent protein product due to the creation of a premature termination codon in CHRNE, a gene where loss-of-function variants are known to be pathogenic. Please note: this variant was assessed in the context of healthy population screening.

Baylor Genetics
Classification: Likely pathogenic for Congenital myasthenic syndrome 4A. Last evaluated: 2023-09-12. Review status: criteria provided, single submitter. Criteria: ACMG Guidelines, 2015. Collection method: clinical testing. Allele origin: unknown.

NM_000080.4(CHRNE):c.786C>A (p.Tyr262Ter)

Genes: C17orf107 (chromosome 17 open reading frame 107; plus strand), CHRNE (cholinergic receptor nicotinic epsilon subunit; minus strand). Cytogenetic location: 17p13.2.
Variant type: single nucleotide variant.
Coding change: c.786C>A on transcript NM_000080.4 (MANE Select); coding-DNA position 786, C replaced by A.
Protein change: p.Tyr262Ter; replaces tyrosine 262 with a stop codon.
Molecular consequence: nonsense. On other transcripts: 3 prime UTR variant (1).
Genome position (GRCh38, 1-based): chr17:4,901,006, G>T on the plus strand (C>A on the coding strand, the complement: CHRNE is on the minus strand). VCF-style: chr17-4901006-G-T. GRCh37 (hg19) VCF-style: chr17-4804301-G-T.
Other names: c.*473G>T (NM_001145536.2); short protein forms Y262*.
Identifiers: ClinVar variation 2680773 (VCV002680773.2), dbSNP rs2151097217, ClinGen allele CA397304748.
Genomic context (GRCh38, chr17:4,901,006, plus strand): 5'-GGAGCGAGCCCGGGTTTGGGGGTAGGTTCGGGGCCACTGCTTACCCTGCGCCGGCAGGAA[G>T]TAGGCGAGCAGCACCAGGCCCGAGATGAGCACACAGGGCACGATGATGTTAATGACGTAG-3'